The following is an entry in ClinVar:

ClinVar aggregate classification (germline): Likely benign (0 of 4 stars; one submission).

Conditions:
ARHGEF28-related disorder. Also called: ARHGEF28-related condition.

Allele frequency attached by ClinVar (database versions not stated): TOPMed 0.00008; ExAC 0.00012; gnomAD 0.00012; gnomAD exomes 0.00012; ESP Exome Variant Server 0.00016.
gnomAD v4.1: 196 of 1,602,628 alleles (0.012%); highest among the groups gnomAD compares: Middle Eastern, 0.05%; no homozygotes.

Submission:

PreventionGenetics, part of Exact Sciences
Classification: Likely benign for ARHGEF28-related condition. Last evaluated: 2023-08-28. Review status: no assertion criteria provided. Collection method: clinical testing. Allele origin: germline.
Comment: This variant is classified as likely benign based on ACMG/AMP sequence variant interpretation guidelines (Richards et al. 2015 PMID: 25741868, with internal and published modifications).

NM_001177693.2(ARHGEF28):c.840+6T>C

Gene: ARHGEF28 (Rho guanine nucleotide exchange factor 28; plus strand). Cytogenetic location: 5q13.2.
Variant type: single nucleotide variant.
Coding change: c.840+6T>C on transcript NM_001177693.2 (MANE Select); 6 bases into the intron after coding-DNA position 840, T replaced by C.
Molecular consequence: intron variant.
Genome position (GRCh38, 1-based): chr5:73,776,702, T>C. VCF-style: chr5-73776702-T-C. GRCh37 (hg19) VCF-style: chr5-73072527-T-C.
Other names: c.840+6T>C (NM_001080479.3, NM_001388078.1); c.546+6T>C (NM_001388076.1).
Identifiers: ClinVar variation 3051332 (VCV003051332.2), dbSNP rs377595018, ClinGen allele CA3304308.